The following is an entry in ClinVar:

NM_172351.3(CD46):c.1049C>T (p.Pro350Leu)

Gene: CD46 (CD46 molecule; plus strand). Cytogenetic location: 1q32.2.
Variant type: single nucleotide variant.
Coding change: c.1049C>T on transcript NM_172351.3 (MANE Select); coding-DNA position 1049, C replaced by T.
Protein change: p.Pro350Leu; replaces proline 350 with leucine.
Molecular consequence: missense variant. On other transcripts: intron variant (2).
Genome position (GRCh38, 1-based): chr1:207,785,649, C>T. VCF-style: chr1-207785649-C-T. GRCh37 (hg19) VCF-style: chr1-207958994-C-T.
Other names: c.1094C>T, p.Pro365Leu (NM_002389.4, NM_172359.3); c.1049C>T, p.Pro350Leu (NM_153826.4); c.1004C>T, p.Pro335Leu (NM_172352.3, NM_172353.3); c.1007C>T, p.Pro336Leu (NM_172355.3, NM_172356.3); c.962C>T, p.Pro321Leu (NM_172357.3, NM_172361.3); c.1019-7C>T (NM_172358.3); c.973+543C>T (NM_172350.3); short protein forms P335L, P336L, P350L, P321L, P365L.
Identifiers: ClinVar variation 1948502 (VCV001948502.5), dbSNP rs186054508, ClinGen allele CA1371881.

ClinVar aggregate classification (germline): Uncertain significance (1 of 4 stars; one submission).

Allele frequency attached by ClinVar (database versions not stated): gnomAD exomes 0.00001; TOPMed 0.00001; ExAC 0.00002; gnomAD 0.00004; 1000 Genomes Project 0.00060; 1000 Genomes Project 30x 0.00062.
gnomAD v4.1: 19 of 1,610,592 alleles (0.0012%); highest among the groups gnomAD compares: East Asian, 0.018%; no homozygotes.

Submission:

Labcorp Genetics (formerly Invitae), Labcorp
Classification: Uncertain significance. Last evaluated: 2025-04-01. Review status: criteria provided, single submitter. Criteria: Invitae Variant Classification Sherloc (09022015). Collection method: clinical testing. Allele origin: germline.
Comment: This sequence change replaces proline, which is neutral and non-polar, with leucine, which is neutral and non-polar, at codon 365 of the CD46 protein (p.Pro365Leu). This variant is present in population databases (rs186054508, gnomAD 0.01%). This variant has not been reported in the literature in individuals affected with CD46-related conditions. ClinVar contains an entry for this variant (Variation ID: 1948502). An algorithm developed to predict the effect of missense changes on protein structure and function outputs the following: PolyPhen-2: "Benign". The leucine amino acid residue is found in multiple mammalian species, which suggests that this missense change does not adversely affect protein function. In summary, the available evidence is currently insufficient to determine the role of this variant in disease. Therefore, it has been classified as a Variant of Uncertain Significance.